The following is an entry in ClinVar:

ClinVar aggregate classification (germline): Uncertain significance (1 of 4 stars; one submission).

Conditions:
Mitochondrial DNA depletion syndrome, encephalomyopathic form with methylmalonic aciduria (MTDPS5). Also called: MITOCHONDRIAL DNA DEPLETION SYNDROME, ENCEPHALOMYOPATHIC FORM, WITH OR WITHOUT METHYLMALONIC ACIDURIA, AUTOSOMAL RECESSIVE, SUCLA2-RELATED; Mitochondrial DNA depletion syndrome 5 (encephalomyopathic with or without methylmalonic aciduria); SUCLA2-Related Mitochondrial DNA Depletion Syndrome, Encephalomyopathic Form with Methylmalonic Aciduria; Mitochondrial encephalomyopathy aminoacidopathy. Identifiers: Orphanet 1933, MedGen C5980207, MONDO:0012791, OMIM 612073.

Submission:

Labcorp Genetics (formerly Invitae), Labcorp
Classification: Uncertain significance for Mitochondrial DNA depletion syndrome, encephalomyopathic form with methylmalonic aciduria. Last evaluated: 2022-05-29. Review status: criteria provided, single submitter. Criteria: Invitae Variant Classification Sherloc (09022015). Collection method: clinical testing. Allele origin: germline.
Comment: Variants that disrupt the consensus splice site are a relatively common cause of aberrant splicing (PMID: 17576681, 9536098). Algorithms developed to predict the effect of sequence changes on RNA splicing suggest that this variant is not likely to affect RNA splicing. This variant has not been reported in the literature in individuals affected with SUCLA2-related conditions. In summary, the available evidence is currently insufficient to determine the role of this variant in disease. Therefore, it has been classified as a Variant of Uncertain Significance. This variant is not present in population databases (gnomAD no frequency). This sequence change falls in intron 2 of the SUCLA2 gene. It does not directly change the encoded amino acid sequence of the SUCLA2 protein. It affects a nucleotide within the consensus splice site.

Literature cited by the submitters: PubMed 17576681; PubMed 9536098.

NM_003850.3(SUCLA2):c.271+5T>C

Gene: SUCLA2 (succinate-CoA ligase ADP-forming subunit beta; minus strand). Cytogenetic location: 13q14.2.
Variant type: single nucleotide variant.
Coding change: c.271+5T>C on transcript NM_003850.3 (MANE Select); 5 bases into the intron after coding-DNA position 271, T replaced by C.
Molecular consequence: intron variant.
Genome position (GRCh38, 1-based): chr13:47,996,838, A>G on the plus strand (T>C on the coding strand, the complement: SUCLA2 is on the minus strand). VCF-style: chr13-47996838-A-G. GRCh37 (hg19) VCF-style: chr13-48570973-A-G.
Identifiers: ClinVar variation 2000820 (VCV002000820.4), dbSNP rs2541715397, ClinGen allele CA2580087542.